The following is an entry in ClinVar:

ClinVar aggregate classification (germline): Benign/Likely benign. Review status: criteria provided, multiple submitters, no conflicts (2 of 4 stars). 6 submissions from 6 submitters: Benign (1); Likely benign (4). 1 of the submissions does not count toward it. Last evaluated 2026-01-28.

Conditions:
Transcobalamin II deficiency (TCN2D). Also called: Transcolabamin II deficiency; TC II DEFICIENCY; TCN2 DEFICIENCY. Identifiers: Orphanet 859, MedGen C0342701, MONDO:0010149, OMIM 275350.
TCN2-related disorder. Also called: TCN2-related condition.

Allele frequency attached by ClinVar (database versions not stated): gnomAD exomes 0.00092; ExAC 0.00112; 1000 Genomes Project 0.00339; 1000 Genomes Project 30x 0.00359; TOPMed 0.00381; ESP Exome Variant Server 0.00384; gnomAD 0.00388.
gnomAD v4.1: 1,067 of 1,614,246 alleles (0.066%); highest among the groups gnomAD compares: African/African-American, 1.3%; 12 homozygotes.

Submissions (6):

Labcorp Genetics (formerly Invitae), Labcorp
Classification: Benign for Transcobalamin II deficiency. Last evaluated: 2026-01-28. Review status: criteria provided, single submitter. Criteria: Invitae Variant Classification Sherloc (09022015). Collection method: clinical testing. Allele origin: germline.

Mayo Clinic Laboratories, Mayo Clinic
Classification: Likely benign. Last evaluated: 2024-11-14. Review status: criteria provided, single submitter. Criteria: ACMG Guidelines, 2015. Collection method: clinical testing. Allele origin: germline. Observed: 1 variant allele.
Comment: BA1, BS2

Blueprint Genetics
Classification: Likely benign. Last evaluated: 2024-10-02. Review status: criteria provided, single submitter. Criteria: ACMG Guidelines, 2015. Collection method: clinical testing. Allele origin: germline.

CeGaT Center for Human Genetics Tuebingen
Classification: Likely benign. Last evaluated: 2024-10-01. Review status: criteria provided, single submitter. Criteria: CeGaT Center For Human Genetics Tuebingen Variant Classification Criteria Version 2. Collection method: clinical testing. Allele origin: germline. Affected: yes. Observed: 2 variant alleles.
Comment: TCN2: BP4, BS1

ARUP Laboratories, Molecular Genetics and Genomics, ARUP Laboratories
Classification: Likely benign for Transcobalamin II deficiency. Last evaluated: 2023-09-21. Review status: criteria provided, single submitter. Criteria: ARUP Molecular Germline Variant Investigation Process 2024. Collection method: clinical testing. Allele origin: germline.

PreventionGenetics, part of Exact Sciences
Classification: Benign for TCN2-related condition. Last evaluated: 2019-05-20. Review status: no assertion criteria provided. Collection method: clinical testing. Allele origin: germline. Not counted in ClinVar's aggregate classification.
Comment: This variant is classified as benign based on ACMG/AMP sequence variant interpretation guidelines (Richards et al. 2015 PMID: 25741868, with internal and published modifications).

NM_000355.4(TCN2):c.89T>G (p.Leu30Arg)

Gene: TCN2 (transcobalamin 2; plus strand). Cytogenetic location: 22q12.2.
Variant type: single nucleotide variant.
Coding change: c.89T>G on transcript NM_000355.4 (MANE Select); coding-DNA position 89, T replaced by G.
Protein change: p.Leu30Arg; replaces leucine 30 with arginine.
Molecular consequence: missense variant.
Genome position (GRCh38, 1-based): chr22:30,610,895, T>G. VCF-style: chr22-30610895-T-G. GRCh37 (hg19) VCF-style: chr22-31006882-T-G.
Other names: p.Leu30Arg; c.89T>G, p.Leu30Arg (NM_001184726.2); short protein forms L30R.
Identifiers: ClinVar variation 529781 (VCV000529781.38), dbSNP rs116605132, ClinGen allele CA10184491.